The following is an entry in ClinVar:

ClinVar aggregate classification (germline): Conflicting classifications of pathogenicity. Review status: criteria provided, conflicting classifications (1 of 4 stars). 6 submissions from 6 submitters: Uncertain significance (4); Likely benign (2). Last evaluated 2025-10-09.

Conditions:
Hereditary cancer-predisposing syndrome. Also called: Neoplastic Syndromes, Hereditary; Tumor predisposition; Hereditary Cancer Syndrome; Hereditary neoplastic syndrome. Identifiers: Orphanet 140162, MedGen C0027672, MeSH D009386, MONDO:0015356.
Hereditary breast ovarian cancer syndrome. Also called: Hereditary breast and ovarian cancer; Hereditary breast and/or ovarian cancer syndrome; BRCA1- and BRCA2-Associated Hereditary Breast and Ovarian Cancer; Hereditary breast and ovarian cancer syndrome (HBOC); Hereditary breast and ovarian cancer syndrome; Breast and ovarian cancer. Identifiers: Orphanet 145, MedGen C0677776, MeSH D061325, MONDO:0003582. Disease mechanism: loss of function.

Submissions (6):

Ambry Genetics
Classification: Likely benign for Hereditary cancer-predisposing syndrome. Last evaluated: 2025-10-09. Review status: criteria provided, single submitter. Criteria: Ambry Variant Classification Scheme 2023. Collection method: clinical testing. Allele origin: germline.

Labcorp Genetics (formerly Invitae), Labcorp
Classification: Uncertain significance for Hereditary breast ovarian cancer syndrome. Last evaluated: 2025-06-08. Review status: criteria provided, single submitter. Criteria: Invitae Variant Classification Sherloc (09022015). Collection method: clinical testing. Allele origin: germline.
Comment: This sequence change replaces valine, which is neutral and non-polar, with isoleucine, which is neutral and non-polar, at codon 1270 of the BRCA2 protein (p.Val1270Ile). Information on the frequency of this variant in the gnomAD database is not available, as this variant may be reported differently in the database. This variant has not been reported in the literature in individuals affected with BRCA2-related conditions. ClinVar contains an entry for this variant (Variation ID: 188253). Experimental studies and prediction algorithms are not available or were not evaluated, and the functional significance of this variant is currently unknown. In summary, the available evidence is currently insufficient to determine the role of this variant in disease. Therefore, it has been classified as a Variant of Uncertain Significance.

University of Washington Department of Laboratory Medicine, University of Washington
Classification: Likely benign for Hereditary cancer-predisposing syndrome. Last evaluated: 2023-03-23. Review status: criteria provided, single submitter. Criteria: Dines et al. (Genet Med. 2020). Collection method: curation. Allele origin: germline.
Comment: Missense variant in a coldspot region where missense variants are very unlikely to be pathogenic (PMID:31911673).

BRCA2 exon 11 coldspot. Reclassification based on statistical prior probability.

Color Diagnostics, LLC DBA Color Health
Classification: Uncertain significance for Hereditary cancer-predisposing syndrome. Last evaluated: 2021-01-05. Review status: criteria provided, single submitter. Criteria: ACMG Guidelines, 2015. Collection method: clinical testing. Allele origin: germline.
Comment: This missense variant replaces valine with isoleucine at codon 1270 of the BRCA2 protein. Computational prediction is inconclusive regarding the impact of this variant on protein structure and function (internally defined REVEL score threshold 0.5 < inconclusive < 0.7, PMID: 27666373). To our knowledge, functional studies have not been reported for this variant. This variant has not been reported in individuals affected with hereditary cancer in the literature. This variant has not been identified in the general population by the Genome Aggregation Database (gnomAD). The available evidence is insufficient to determine the role of this variant in disease conclusively. Therefore, this variant is classified as a Variant of Uncertain Significance.

Women's Health and Genetics/Laboratory Corporation of America, LabCorp
Classification: Uncertain significance. Last evaluated: 2019-11-05. Review status: criteria provided, single submitter. Criteria: LabCorp Variant Classification Summary - May 2015. Collection method: clinical testing. Allele origin: germline.
Comment: Variant summary: BRCA2 c.3807_3808delinsCA (p.Val1270Ile) results in a conservative amino acid change in the encoded protein sequence. Four of four in-silico tools predict a benign effect of the variant on protein function. The variant was absent in 263590 control chromosomes (gnomAD). The available data on variant occurrences in the general population are insufficient to allow any conclusion about variant significance. To our knowledge, no occurrence of c.3807_3808delinsCA in individuals affected with Hereditary Breast and Ovarian Cancer and no experimental evidence demonstrating its impact on protein function has been reported. Co-occurrences with other pathogenic variant(s) have been reported (RAD51C c.773G>A), providing supporting evidence for a benign role. Two clinical diagnostic laboratories have submitted clinical-significance assessments for this variant to ClinVar after 2014 without evidence for independent evaluation. All laboratories classified the variant as uncertain significance.. Based on the evidence outlined above, the variant was classified as uncertain significance.

GeneDx
Classification: Uncertain significance. Last evaluated: 2016-03-23. Review status: criteria provided, single submitter. Criteria: GeneDx Variant Classification (06012015). Collection method: clinical testing. Allele origin: germline. Affected: yes.
Comment: This variant is denoted BRCA2 c.3807_3808delTGinsCA at the cDNA level and p.Val1270Ile (V1270I) at the protein level. The normal sequence, with the bases that are deleted in braces and inserted in brackets, is CTGT[TG][CA]TTTC. This in frame deletion and insertion, also denoted BRCA2 4035_4036delTGinsCA using alternate nomenclature, occurs on the same allele (in cis) and results in the missense change of a Valine to an Isoleucine (GTT>ATT). This variant has not, to our knowledge, been published in the literature as pathogenic or benign. Neither BRCA2 3807_3808delTGinsCA nor BRCA2 Val1270I (by this or an alternate nucleotide change) was observed in approximately 6,500 individuals of European and African American ancestry in the NHLBI Exome Sequencing Project, indicating it is not a common benign variant in these populations. Since Valine and Isoleucine share similar properties, this is considered a conservative amino acid substitution. BRCA2 Val1270I occurs at a position where amino acids with properties similar to Valine are tolerated across species and is located within the Rad51 binding domain (Roy 2012). In addition, in silico analyses are inconsistent regarding the effect this variant may have on protein structure and function. Based on currently available information, we consider BRCA2 Val1270I to be a variant of uncertain significance.

Literature cited by the submitters: PubMed 30287823 (cited by Women's Health and Genetics/Laboratory Corporation of America, LabCorp).

NM_000059.4(BRCA2):c.3807_3808inv (p.Val1270Ile)

Gene: BRCA2 (BRCA2 DNA repair associated; plus strand). Cytogenetic location: 13q13.1.
Variant type: Inversion.
Coding change: c.3807_3808inv on transcript NM_000059.4 (MANE Select).
Protein change: p.Val1270Ile; replaces valine 1270 with isoleucine.
Molecular consequence: missense variant.
Genome position: GRCh38 VCF-style: chr13-32338162-TG-CA. GRCh37 (hg19) VCF-style: chr13-32912299-TG-CA.
Other names: c.3807_3808delinsCA (NM_000059.3); short protein forms V1270I.
Identifiers: ClinVar variation 188253 (VCV000188253.18), ClinGen allele CA334444.